The following is an entry in ClinVar:

ClinVar aggregate classification (germline): Pathogenic (0 of 4 stars; one submission).

Conditions:
Peutz-Jeghers syndrome (PJS). Also called: Peutz-Jeghers polyposis; Periorificial lentiginosis syndrome; POLYPOSIS, HAMARTOMATOUS INTESTINAL; POLYPS-AND-SPOTS SYNDROME. Identifiers: Orphanet 2869, MedGen C0031269, MeSH D010580, MONDO:0008280, OMIM 175200.

Submission:

Zhongshan School of Medicine, Sun Yat-Sen University
Classification: Pathogenic for Peutz-Jeghers syndrome. Last evaluated: 2016-12-16. Review status: no assertion criteria provided. Collection method: clinical testing. Allele origin: germline. Inheritance: Autosomal dominant inheritance. Affected: yes.
Comment: Herein we report a Chinese Han kindred with five PJS patients distributed over three generations. Onset for the PJS signs in three of the patients was rarely as early as at birth. We identified a novel heterozygous mutation (c.440_441delGT, p.Arg147Leufs*15) in the gene STK11, causing a short frameshift followed by a deletion of 63% of the amino acids in the STK protein. This mutation co-segregated with the PJS phenotype, and was absent in two hundred unrelated ethnicity-matched controls.

Literature cited by the submitters: PubMed 28231849.

NM_000455.5(STK11):c.440_441del (p.Arg147fs)

Gene: STK11 (serine/threonine kinase 11; plus strand). Cytogenetic location: 19p13.3.
Variant type: Deletion.
Coding change: c.440_441del on transcript NM_000455.5 (MANE Select); coding-DNA positions 440 to 441, 2 bases deleted (GT; older notation c.440_441delGT).
Protein change: p.Arg147fs; shifts the reading frame from arginine 147.
Molecular consequence: frameshift variant.
Genome position (GRCh38, 1-based): chr19:1,219,389-1,219,390, GT deleted. VCF-style (leftmost placement, unchanged base first): chr19-1219388-CGT-C. GRCh37 (hg19) VCF-style: chr19-1219387-CGT-C.
Other names: c.440_441delGT (NM_000455.4); short protein forms R147fs.
Identifiers: ClinVar variation 375445 (VCV000375445.2), dbSNP rs1555737814, ClinGen allele CA658824797.